The following is an entry in ClinVar:

NM_001369268.1(ACAN):c.280_336del (p.Val94_Ile112del)

Gene: ACAN (aggrecan; plus strand). Cytogenetic location: 15q26.1.
Variant type: Deletion.
Coding change: c.280_336del on transcript NM_001369268.1 (MANE Select); coding-DNA positions 280 to 336, 57 bases deleted.
Protein change: p.Val94_Ile112del.
Molecular consequence: inframe deletion.
Genome position (GRCh38, 1-based): chr15:88,838,872-88,838,928, 57 bases deleted. GRCh37 (hg19): chr15:89,382,103-89,382,159.
Other names: c.280_336del, p.Val94_Ile112del (NM_001135.4, NM_013227.4).
Identifiers: ClinVar variation 287983 (VCV000287983.9), dbSNP rs1596130811, ClinGen allele CA10605932.

ClinVar aggregate classification (germline): Conflicting classifications of pathogenicity. Review status: criteria provided, conflicting classifications (1 of 4 stars). 2 submissions from 2 submitters: Pathogenic (1); Uncertain significance (1). Last evaluated 2024-10-28.

Submissions (2):

Labcorp Genetics (formerly Invitae), Labcorp
Classification: Pathogenic. Last evaluated: 2024-10-28. Review status: criteria provided, single submitter. Criteria: Invitae Variant Classification Sherloc (09022015). Collection method: clinical testing. Allele origin: germline.
Comment: This variant, c.280_336del, results in the deletion of 19 amino acid(s) of the ACAN protein (p.Val94_Ile112del), but otherwise preserves the integrity of the reading frame. This variant is not present in population databases (gnomAD no frequency). This variant has been observed in individual(s) with ACAN-related conditions (PMID: 35001504). ClinVar contains an entry for this variant (Variation ID: 287983). Experimental studies and prediction algorithms are not available or were not evaluated, and the functional significance of this variant is currently unknown. This variant disrupts a region of the ACAN protein in which other variant(s) (p.Tyr109Asn) have been determined to be pathogenic (internal data). This suggests that this is a clinically significant region of the protein, and that variants that disrupt it are likely to be disease-causing. For these reasons, this variant has been classified as Pathogenic.

Eurofins Ntd Llc (ga)
Classification: Uncertain significance. Last evaluated: 2018-06-05. Review status: criteria provided, single submitter. Criteria: EGL ClinVar v180209 classification definitions. Collection method: clinical testing. Allele origin: germline. Observed: 3 variant alleles, 3 heterozygotes.

Literature cited by the submitters: PubMed 35001504 (cited by Labcorp Genetics (formerly Invitae), Labcorp).